The following is an entry in ClinVar:

ClinVar aggregate classification (germline): Pathogenic. Review status: reviewed by expert panel (3 of 4 stars). 3 submissions from 3 submitters: Pathogenic (1). 2 of the submissions do not count toward it. Last evaluated 2016-10-18.

Conditions:
Hereditary cancer-predisposing syndrome. Also called: Neoplastic Syndromes, Hereditary; Tumor predisposition; Hereditary neoplastic syndrome; Hereditary Cancer Syndrome. Identifiers: Orphanet 140162, MedGen C0027672, MeSH D009386, MONDO:0015356.
Breast-ovarian cancer, familial, susceptibility to, 2 (BROVCA2). Also called: BRCA2 Hereditary Breast and Ovarian Cancer. Identifiers: Orphanet 145, MedGen C2675520, MONDO:0012933, OMIM 612555. Disease mechanism: loss of function.

Submissions (3):

Evidence-based Network for the Interpretation of Germline Mutant Alleles (ENIGMA)
Classification: Pathogenic for Breast-ovarian cancer, familial, susceptibility to, 2. Last evaluated: 2016-10-18. Review status: reviewed by expert panel. Criteria: ENIGMA BRCA1/2 Classification Criteria (2015). Collection method: curation. Allele origin: germline.
Comment: Variant allele predicted to encode a truncated non-functional protein.

Color Diagnostics, LLC DBA Color Health
Classification: Pathogenic for Hereditary cancer-predisposing syndrome. Last evaluated: 2020-05-21. Review status: criteria provided, single submitter. Criteria: ACMG Guidelines, 2015. Collection method: clinical testing. Allele origin: germline. Not counted in ClinVar's aggregate classification.
Comment: This variant deletes 2 nucleotides in exon 18 of the BRCA2 gene, creating a frameshift and premature translation stop signal. This variant is expected to result in an absent or non-functional protein product. To our knowledge, this variant has not been reported in individuals affected with hereditary cancer in the literature. This variant has not been identified in the general population by the Genome Aggregation Database (gnomAD). Loss of BRCA2 function is a known mechanism of disease. Based on the available evidence, this variant is classified as Pathogenic.

Consortium of Investigators of Modifiers of BRCA1/2 (CIMBA), c/o University of Cambridge
Classification: Pathogenic for Breast-ovarian cancer, familial, susceptibility to, 2. Last evaluated: 2015-10-02. Review status: criteria provided, single submitter. Criteria: CIMBA Mutation Classification guidelines May 2016. Collection method: clinical testing. Allele origin: germline. Not counted in ClinVar's aggregate classification.

NM_000059.4(BRCA2):c.8020_8021del (p.Lys2674fs)

Gene: BRCA2 (BRCA2 DNA repair associated; plus strand). Cytogenetic location: 13q13.1.
Variant type: Deletion.
Coding change: c.8020_8021del on transcript NM_000059.4 (MANE Select); coding-DNA positions 8020 to 8021, 2 bases deleted (AA; older notation c.8020_8021delAA).
Protein change: p.Lys2674fs; shifts the reading frame from lysine 2674.
Molecular consequence: frameshift variant.
Genome position (GRCh38, 1-based): chr13:32,363,222-32,363,223, AA deleted; deleting any 2 consecutive bases within chr13:32,363,218-32,363,223 gives the same sequence; the c. name uses the placement nearest the transcript's 3' end. VCF-style (leftmost placement, unchanged base first): chr13-32363217-TAA-T. GRCh37 (hg19) VCF-style: chr13-32937354-TAA-T.
Other names: 8248_8249delAA; c.8020_8021delAA (NM_000059.3).
Identifiers: ClinVar variation 52473 (VCV000052473.9), dbSNP rs397507952, ClinGen allele CA025408.